The following is an entry in ClinVar:

NM_001126108.2(SLC12A3):c.1925G>A (p.Arg642His)

Gene: SLC12A3 (solute carrier family 12 member 3; plus strand). Cytogenetic location: 16q13.
Variant type: single nucleotide variant.
Coding change: c.1925G>A on transcript NM_001126108.2 (MANE Select); coding-DNA position 1925, G replaced by A.
Protein change: p.Arg642His; replaces arginine 642 with histidine.
Molecular consequence: missense variant.
Genome position (GRCh38, 1-based): chr16:56,885,364, G>A. VCF-style: chr16-56885364-G-A. GRCh37 (hg19) VCF-style: chr16-56919276-G-A.
Other names: c.1925G>A, p.Arg642His (NM_000339.3); c.1922G>A, p.Arg641His (NM_001126107.2); short protein forms R642H, R641H.
Identifiers: ClinVar variation 319909 (VCV000319909.30), dbSNP rs147901432, ClinGen allele CA8069652.

ClinVar aggregate classification (germline): Pathogenic. Review status: criteria provided, multiple submitters, no conflicts (2 of 4 stars). 14 submissions from 14 submitters: Pathogenic (14). Last evaluated 2026-05-06.

Conditions:
SLC12A3-related disorder. Also called: SLC12A3-related condition.
Familial hypokalemia-hypomagnesemia (GTLMNS). Also called: POTASSIUM AND MAGNESIUM DEPLETION; HYPOMAGNESEMIA-HYPOKALEMIA, PRIMARY RENOTUBULAR, WITH HYPOCALCIURIA; gitelman syndrome. Identifiers: Orphanet 358, MedGen C0268450, MONDO:0009904, OMIM 263800.
Renal tubulopathies.

Allele frequency attached by ClinVar (database versions not stated): ExAC below 0.00001; TOPMed 0.00002; gnomAD 0.00003; ESP Exome Variant Server 0.00008.
gnomAD v4.1: 44 of 1,543,980 alleles (0.0028%); highest among the groups gnomAD compares: Middle Eastern, 0.017%; no homozygotes.

Submissions 1 to 12 of 14:

PreventionGenetics, part of Exact Sciences
Classification: Pathogenic for SLC12A3-related condition. Last evaluated: 2026-05-06. Review status: criteria provided, single submitter. Criteria: ACMG Guidelines, 2015. Collection method: clinical testing. Allele origin: germline.
Comment: The SLC12A3 c.1925G>A variant is predicted to result in the amino acid substitution p.Arg642His. This variant has been reported in the compound heterozygous and homozygous state in many patients with Gitelman syndrome (Syrén et al. 2002. PubMed ID: 12112667; Colussi et al. 2007. PubMed ID: 17699451; Makino et al. 2014. PubMed ID: 25140267; Zeng et al. 2019. PubMed ID: 31398183). This variant has not been reported in a large population database (gnomAD), indicating this variant is rare. Of note, other missense variants affecting the same amino acid (p.Arg642Gly, p.Arg642Cys) have also been reported to be pathogenic for Gitelman syndrome (Cruz et al. 2001. PubMed ID: 11168953; Zeng et al. 2019. PubMed ID: 31398183). Taken together, the c.1925G>A (p.Arg642His) variant is interpreted as pathogenic.

Women's Health and Genetics/Laboratory Corporation of America, LabCorp
Classification: Pathogenic for Familial hypokalemia-hypomagnesemia. Last evaluated: 2026-03-18. Review status: criteria provided, single submitter. Criteria: LabCorp Variant Classification Summary - May 2015. Collection method: clinical testing. Allele origin: germline.
Comment: Variant summary: SLC12A3 c.1925G>A (p.Arg642His) results in a non-conservative amino acid change in the encoded protein sequence. Algorithms developed to predict the effect of missense changes on protein structure and function all suggest that this variant is likely to be disruptive. Several computational tools predict a significant impact on normal splicing: One predict the variant abolishes a 5' splicing donor site. Three predict the variant weakens a 5' donor site. At least one publication reports experimental evidence that this variant affects mRNA splicing (Shi_2023). The frequency data for this variant in gnomAD is considered unreliable, as metrics indicate poor data quality at this position. c.1925G>A has been observed in individuals affected with Familial Hypokalemia-Hypomagnesemia (Lemmink_1998, Makino_2014, Zhong_2019). These data indicate that the variant is likely to be associated with disease. Furthermore, two different missense variants affecting the same codon (c.1924C>G (p.Arg642Gly); c.1924C>T (p.Arg642Cys)) have been classified as pathogenic by our own lab, suggesting that this residue is clinically important. The following publications have been ascertained in the context of this evaluation (PMID: 9734597, 25140267, 36597580, 30413979). ClinVar contains an entry for this variant (Variation ID: 319909). Based on the evidence outlined above, the variant was classified as pathogenic.

Labcorp Genetics (formerly Invitae), Labcorp
Classification: Pathogenic. Last evaluated: 2025-12-23. Review status: criteria provided, single submitter. Criteria: Invitae Variant Classification Sherloc (09022015). Collection method: clinical testing. Allele origin: germline.
Comment: This sequence change replaces arginine, which is basic and polar, with histidine, which is basic and polar, at codon 642 of the SLC12A3 protein (p.Arg642His). This variant also falls at the last nucleotide of exon 15, which is part of the consensus splice site for this exon. This variant is not present in population databases (gnomAD no frequency). This missense change has been observed in individual(s) with Gitelman's syndrome (PMID: 9734597, 17699451, 30413979). In at least one individual the data is consistent with being in trans (on the opposite chromosome) from a pathogenic variant. It has also been observed to segregate with disease in related individuals. This variant is also known as 1950G>A. ClinVar contains an entry for this variant (Variation ID: 319909). An algorithm developed to predict the effect of missense changes on protein structure and function (PolyPhen-2) suggests that this variant is likely to be disruptive. Variants that disrupt the consensus splice site are a relatively common cause of aberrant splicing (PMID: 17576681, 9536098). Algorithms developed to predict the effect of sequence changes on RNA splicing suggest that this variant may disrupt the consensus splice site. For these reasons, this variant has been classified as Pathogenic.

Victorian Clinical Genetics Services, Murdoch Childrens Research Institute
Classification: Pathogenic for Familial hypokalemia-hypomagnesemia. Last evaluated: 2025-12-17. Review status: criteria provided, single submitter. Criteria: ACMG Guidelines, 2015. Collection method: clinical testing. Allele origin: germline. Affected: yes.
Comment: This variant is classified as Pathogenic. Evidence in support of pathogenic classification: Variant is present in gnomAD <0.01 for a recessive condition (v4: 44 heterozygote(s), 0 homozygote(s)); This variant has strong previous evidence of pathogenicity in unrelated individuals. This variant has been classified as pathogenic by multiple clinical laboratories in ClinVar; Other missense variant(s) comparable to the one identified in this case have very strong previous evidence for pathogenicity (DECIPHER). p.(Arg642Cys) and p.(Arg642Gly) have been classified as likely pathogenic/pathogenic by multiple clinical laboratories in ClinVar; Missense variant predicted to be damaging by in silico tool(s) or highly conserved with a major amino acid change. Additionally, abnormal splicing is predicted by in silico tool and affected nucleotide is highly conserved. Additional information: Variant is predicted to result in a missense amino acid change from Arg to His. This variant also affects the last nucleotide of the exon, however splicing studies have shown conflicting results (PMID: 17329572, 19420906); This variant is heterozygous; This gene is associated with autosomal recessive disease; Alternative amino acid change(s) at the same position are present in gnomAD (highest allele count: v4: 86 heterozygote(s), 0 homozygote(s)); No published functional evidence has been identified for this variant; Variant is located in the annotated amino acid permease domain (DECIPHER); Loss of function is a known mechanism of disease in this gene and is associated with Gitelman syndrome (MIM#263800); Inheritance information for this variant is not currently available in this individual.

Genetics Laboratory, Great Ormond Street Hospital NHS Foundation Trust, North Thames Genomic Laboratory Hub
Classification: Pathogenic for Renal tubulopathies. Last evaluated: 2025-11-30. Review status: criteria provided, single submitter. Criteria: ACGS Best Practice Guidelines for Variant Classification in Rare Disease 2024 v1.2. Collection method: clinical testing. Allele origin: germline. Affected: yes.
Comment: PVS1_very-strong, PM5_moderate, PM3_strong

Natera, Inc.
Classification: Pathogenic for Gitelman syndrome. Last evaluated: 2025-03-28. Review status: criteria provided, single submitter. Criteria: Natera Variant Classification Schema (03/2026). Collection method: clinical testing. Allele origin: germline.
Comment: The c.1925G>A variant in SLC12A3 is a missense variant predicted to cause substitution of arginine to histidine at amino acid 642. This variant is rare in the general population with a frequency below the threshold expected for the associated phenotype(s). This variant has been observed in one or more individuals affected with the associated recessive disease, as either homozygous or compound heterozygous with a second variant (PMID: 19420906, 32542819, 17329572, 17261437). Additionally, this variant has been observed to segregate in affected family members (PMID: 19420906). A different variant at the same position has been determined to be Pathogenic or Likely Pathogenic. Computational prediction algorithms indicate this variant is likely to affect gene or protein function. Given the available evidence, this variant is classified as Pathogenic.

Blueprint Genetics
Classification: Pathogenic for SLC12A3-related disorders. Last evaluated: 2024-07-19. Review status: criteria provided, single submitter. Criteria: ACMG Guidelines, 2015. Collection method: clinical testing. Allele origin: germline. Affected: yes. Observed: 5 variant alleles.

Fulgent Genetics
Classification: Pathogenic for Familial hypokalemia-hypomagnesemia. Last evaluated: 2022-05-06. Review status: criteria provided, single submitter. Criteria: ACMG Guidelines, 2015. Collection method: clinical testing. Allele origin: unknown.

European Hospital Georges Pompidou Genetics Department, Assistance Publique - Hôpitaux de Paris AP-HP
Classification: Pathogenic for Familial hypokalemia-hypomagnesemia. Last evaluated: 2022-04-27. Review status: criteria provided, single submitter. Criteria: ACMG Guidelines, 2015. Collection method: clinical testing. Allele origin: germline. Affected: yes.
Comment: ACMG criteria used:PS4,PM1, PM2, PM5,PP3, PP5

Genome-Nilou Lab
Classification: Pathogenic for Familial hypokalemia-hypomagnesemia. Last evaluated: 2021-07-15. Review status: criteria provided, single submitter. Criteria: ACMG Guidelines, 2015. Collection method: clinical testing. Allele origin: germline. Affected: no.

Revvity Omics, Revvity
Classification: Pathogenic for Familial hypokalemia-hypomagnesemia. Last evaluated: 2021-02-20. Review status: criteria provided, single submitter. Criteria: ACMG Guidelines, 2015. Collection method: clinical testing. Allele origin: germline.

Athena Diagnostics
Classification: Pathogenic. Last evaluated: 2019-08-15. Review status: criteria provided, single submitter. Criteria: Athena Diagnostics Criteria. Collection method: clinical testing. Allele origin: germline.
Comment: Not found in the gnomAD data set. Found in at least one symptomatic patient. Predicted to have a damaging effect on the protein. Predicted to negatively affect a known splice site. Statistically enriched in patients compared to ethnically matched controls. Occurs in three or more cases with a recessive pathogenic variant in the same gene. Moderate co-segregation with disease, and data include affected and unaffected individuals from a single family.